The following is an entry in ClinVar:

ClinVar aggregate classification (germline): Likely benign. Review status: criteria provided, single submitter (1 of 4 stars). 3 submissions from 3 submitters: Likely benign (1). 2 of the submissions do not count toward it. Last evaluated 2026-01-24.

Conditions:
GLDC-related disorder. Also called: GLDC-related condition.
Glycine encephalopathy. Also called: Non-ketotic hyperglycinemia; Nonketotic hyperglycinemia. Identifiers: Orphanet 407, MedGen C0751748, MONDO:0011612, HP:0008288.

Allele frequency attached by ClinVar (database versions not stated): gnomAD exomes 0.00002 and 0.00005; TOPMed 0.00003; gnomAD 0.00004; ExAC 0.00007.
gnomAD v4.1: 34 of 1,613,910 alleles (0.0021%); highest among the groups gnomAD compares: East Asian, 0.053%; no homozygotes.

Submissions (3):

Labcorp Genetics (formerly Invitae), Labcorp
Classification: Likely benign for Glycine encephalopathy. Last evaluated: 2026-01-24. Review status: criteria provided, single submitter. Criteria: Invitae Variant Classification Sherloc (09022015). Collection method: clinical testing. Allele origin: germline.

Natera, Inc.
Classification: Uncertain significance for Non-ketotic hyperglycinemia. Last evaluated: 2020-01-24. Review status: no assertion criteria provided. Collection method: clinical testing. Allele origin: germline. Not counted in ClinVar's aggregate classification.

PreventionGenetics, part of Exact Sciences
Classification: Likely benign for GLDC-related condition. Last evaluated: 2019-08-07. Review status: no assertion criteria provided. Collection method: clinical testing. Allele origin: germline. Not counted in ClinVar's aggregate classification.
Comment: This variant is classified as likely benign based on ACMG/AMP sequence variant interpretation guidelines (Richards et al. 2015 PMID: 25741868, with internal and published modifications).

NM_000170.3(GLDC):c.489A>G (p.Pro163=)

Gene: GLDC (glycine decarboxylase; minus strand). Cytogenetic location: 9p24.1.
Variant type: single nucleotide variant.
Coding change: c.489A>G on transcript NM_000170.3 (MANE Select); coding-DNA position 489, A replaced by G.
Protein change: p.Pro163=; no amino-acid change (proline 163 retained).
Molecular consequence: synonymous variant.
Genome position (GRCh38, 1-based): chr9:6,610,338, T>C on the plus strand (A>G on the coding strand, the complement: GLDC is on the minus strand). VCF-style: chr9-6610338-T-C. GRCh37 (hg19) VCF-style: chr9-6610338-T-C.
Identifiers: ClinVar variation 702890 (VCV000702890.14), dbSNP rs770044310, ClinGen allele CA4981115.
Genomic context (GRCh38, chr9:6,610,338, plus strand): 5'-CACCATGGTCTGGTAGTTGAGTAAACTCTCCAGCCTCCCCTGAGACACCTCAGGCTGGTA[T>C]GGAGTATACTGGGTGATCCTGCAAGGGAAACAAAAGGTCTTGTCCAAACTGACTGCTGTT-3'
Protein context (NP_000161.2, residues 153-173): ENSGWITQYT[Pro163=]YQPEVSQGRL